The following is an entry in ClinVar:

NM_000286.3(PEX12):c.781del (p.Asp262fs)

Gene: PEX12 (peroxisomal biogenesis factor 12; minus strand). Cytogenetic location: 17q12.
Variant type: Deletion.
Coding change: c.781del on transcript NM_000286.3 (MANE Select); coding-DNA position 781, one base deleted (C; older notation c.781delC).
Protein change: p.Asp262fs; shifts the reading frame from aspartic acid 262.
Molecular consequence: frameshift variant.
Genome position (GRCh38, 1-based): chr17:35,576,081, G deleted on the plus strand (C on the coding strand, the reverse complement: PEX12 is on the minus strand); the first of 2 consecutive G bases (chr17:35,576,081-35,576,082); deleting either gives the same sequence. VCF-style (leftmost placement, unchanged base first): chr17-35576080-AG-A. GRCh37 (hg19) VCF-style: chr17-33903099-AG-A.
Other names: short protein forms D262fs.
Identifiers: ClinVar variation 553270 (VCV000553270.11), dbSNP rs754193088, ClinGen allele CA290068331.

ClinVar aggregate classification (germline): Pathogenic. Review status: criteria provided, single submitter (1 of 4 stars). 2 submissions from 2 submitters: Pathogenic (1). 1 of the submissions does not count toward it. Last evaluated 2020-07-26.

Conditions:
Peroxisome biogenesis disorder type 3B. Identifiers: Orphanet 44, Orphanet 772, MedGen C3550693, MONDO:0009959, OMIM 266510.
Peroxisome biogenesis disorder 3A (Zellweger). Also called: PEROXISOMAL BIOGENESIS DISORDER 3A (ZELLWEGER); Peroxisome biogenesis disorder 3A. Identifiers: Orphanet 912, MedGen C3553929, MONDO:0013927, OMIM 614859.

Submissions (2):

Labcorp Genetics (formerly Invitae), Labcorp
Classification: Pathogenic for Peroxisome biogenesis disorder 3A (Zellweger). Last evaluated: 2020-07-26. Review status: criteria provided, single submitter. Criteria: Invitae Variant Classification Sherloc (09022015). Collection method: clinical testing. Allele origin: germline.
Comment: This sequence change results in a premature translational stop signal in the PEX12 gene (p.Asp262Thrfs*15). While this is not anticipated to result in nonsense mediated decay, it is expected to disrupt the last 98 amino acids of the PEX12 protein. This variant is not present in population databases (ExAC no frequency). This variant has not been reported in the literature in individuals with PEX12-related conditions. ClinVar contains an entry for this variant (Variation ID: 553270). This variant disrupts the C-terminus of the PEX12 protein. Other variant(s) that disrupt this region (p.Cys307Serfs*2) have been determined to be pathogenic (Invitae). This suggests that variants that disrupt this region of the protein are likely to be causative of disease. For these reasons, this variant has been classified as Pathogenic.

Counsyl
Classification: Likely pathogenic for Peroxisome biogenesis disorder type 3B; Peroxisome biogenesis disorder 3A (Zellweger). Last evaluated: 2017-08-10. Review status: no assertion criteria provided. Collection method: clinical testing. Allele origin: unknown. Not counted in ClinVar's aggregate classification.